The following is an entry in ClinVar:

ClinVar aggregate classification (germline): Likely benign (1 of 4 stars; one submission).

Allele frequency attached by ClinVar (database versions not stated): 1000 Genomes Project 0.00879; gnomAD 0.00882 and 0.00953; 1000 Genomes Project 30x 0.00921; TOPMed 0.01043.
gnomAD v4.1: 1,335 of 152,126 alleles (0.88%); highest among the groups gnomAD compares: Middle Eastern, 3.7%; 15 homozygotes.

Submission:

GeneDx
Classification: Likely benign. Last evaluated: 2018-06-19. Review status: criteria provided, single submitter. Criteria: GeneDx Variant Classification (06012015). Collection method: clinical testing. Allele origin: germline. Affected: yes.
Comment: This variant is considered likely benign or benign based on one or more of the following criteria: it is a conservative change, it occurs at a poorly conserved position in the protein, it is predicted to be benign by multiple in silico algorithms, and/or has population frequency not consistent with disease.

NM_001083962.2(TCF4):c.369+243C>T

Gene: TCF4 (transcription factor 4; minus strand). Cytogenetic location: 18q21.2.
Variant type: single nucleotide variant.
Coding change: c.369+243C>T on transcript NM_001083962.2 (MANE Select); 243 bases into the intron after coding-DNA position 369, C replaced by T.
Molecular consequence: intron variant.
Genome position (GRCh38, 1-based): chr18:55,403,211, G>A on the plus strand (C>T on the coding strand, the complement: TCF4 is on the minus strand). VCF-style: chr18-55403211-G-A. GRCh37 (hg19) VCF-style: chr18-53070442-G-A.
Other names: c.675+243C>T (NM_001243226.3); c.297+243C>T (NM_001369584.1, NM_001369576.1, NM_001369577.1 and 15 more transcripts); c.369+243C>T (NM_001369571.1, NM_001369567.1, NM_001243228.2 and 8 more transcripts); c.363+243C>T (NM_001243230.2); c.243+243C>T (NM_001243231.2, NM_001348211.2); c.-19+243C>T (NM_001348212.2); c.-22+243C>T (NM_001348213.2, NM_001243233.2); c.159+243C>T (NM_001306208.1, NM_001243232.1).
Identifiers: ClinVar variation 678920 (VCV000678920.1), dbSNP rs9965322, ClinGen allele CA301146279.